The following is an entry in ClinVar:

ClinVar aggregate classification (germline): Uncertain significance (1 of 4 stars; one submission).

Conditions:
Fanconi anemia (FA). Also called: Fanconi's anemia. Identifiers: Orphanet 84, MedGen C0015625, MeSH D005199, MONDO:0019391.

Allele frequency attached by ClinVar (database versions not stated): TOPMed 0.00001; gnomAD 0.00002.

Submission:

Labcorp Genetics (formerly Invitae), Labcorp
Classification: Uncertain significance for Fanconi anemia. Last evaluated: 2025-07-01. Review status: criteria provided, single submitter. Criteria: Invitae Variant Classification Sherloc (09022015). Collection method: clinical testing. Allele origin: germline.
Comment: This sequence change replaces lysine, which is basic and polar, with arginine, which is basic and polar, at codon 1699 of the FANCM protein (p.Lys1699Arg). This variant is not present in population databases (gnomAD no frequency). This variant has not been reported in the literature in individuals affected with FANCM-related conditions. ClinVar contains an entry for this variant (Variation ID: 2913824). An algorithm developed to predict the effect of missense changes on protein structure and function outputs the following: PolyPhen-2: "Benign". The arginine amino acid residue is found in multiple mammalian species, which suggests that this missense change does not adversely affect protein function. In summary, the available evidence is currently insufficient to determine the role of this variant in disease. Therefore, it has been classified as a Variant of Uncertain Significance.

NM_020937.4(FANCM):c.5096A>G (p.Lys1699Arg)

Gene: FANCM (FA complementation group M; plus strand). Cytogenetic location: 14q21.2.
Variant type: single nucleotide variant.
Coding change: c.5096A>G on transcript NM_020937.4 (MANE Select); coding-DNA position 5096, A replaced by G.
Protein change: p.Lys1699Arg; replaces lysine 1699 with arginine.
Molecular consequence: missense variant.
Genome position (GRCh38, 1-based): chr14:45,189,118, A>G. VCF-style: chr14-45189118-A-G. GRCh37 (hg19) VCF-style: chr14-45658321-A-G.
Other names: c.5018A>G, p.Lys1673Arg (NM_001308133.2); short protein forms K1699R, K1673R.
Identifiers: ClinVar variation 2913824 (VCV002913824.3), dbSNP rs914766347, ClinGen allele CA259635759.